The following is an entry in ClinVar:

NM_004329.3(BMPR1A):c.418C>T (p.Pro140Ser)

Gene: BMPR1A (bone morphogenetic protein receptor type 1A; plus strand). Cytogenetic location: 10q23.2.
Variant type: single nucleotide variant.
Coding change: c.418C>T on transcript NM_004329.3 (MANE Select); coding-DNA position 418, C replaced by T.
Protein change: p.Pro140Ser; replaces proline 140 with serine.
Molecular consequence: missense variant.
Genome position (GRCh38, 1-based): chr10:86,899,878, C>T. VCF-style: chr10-86899878-C-T. GRCh37 (hg19) VCF-style: chr10-88659635-C-T.
Other names: short protein forms P140S.
Identifiers: ClinVar variation 438903 (VCV000438903.29), dbSNP rs138478597, ClinGen allele CA5585503.
Genomic context (GRCh38, chr10:86,899,878, plus strand): 5'-CGGACAATAGAATGTTGTCGGACCAATTTATGTAACCAGTATTTGCAACCCACACTGCCC[C>T]CTGTTGTCATAGGTAGGTTAGCCGAGAAAAGTCGGAGCATGCTTCTCAAATATCTTCTCT-3'
Protein context (NP_004320.2, residues 130-150): CNQYLQPTLP[Pro140Ser]VVIGPFFDGS

ClinVar aggregate classification (germline): Uncertain significance. Review status: criteria provided, multiple submitters, no conflicts (2 of 4 stars). 8 submissions from 8 submitters: Uncertain significance (8). Last evaluated 2025-12-15.

Conditions:
Juvenile polyposis syndrome (JPS). Identifiers: Orphanet 2929, MedGen C0345893, MONDO:0017380, OMIM 174900.
Hereditary cancer-predisposing syndrome. Also called: Hereditary Cancer Syndrome; Hereditary neoplastic syndrome; Neoplastic Syndromes, Hereditary; Tumor predisposition. Identifiers: Orphanet 140162, MedGen C0027672, MeSH D009386, MONDO:0015356.
Polyposis syndrome, hereditary mixed, 2. Identifiers: Orphanet 157794, MedGen C1864730, MONDO:0012405, OMIM 610069.

Allele frequency attached by ClinVar (database versions not stated): gnomAD exomes 0.00001; ExAC 0.00002; TOPMed 0.00004; ESP Exome Variant Server 0.00008.
gnomAD v4.1: 8 of 1,614,000 alleles (0.0005%); highest among the groups gnomAD compares: South Asian, 0.0011%; no homozygotes.

Submissions (8):

Ambry Genetics
Classification: Uncertain significance for Hereditary cancer-predisposing syndrome. Last evaluated: 2025-12-15. Review status: criteria provided, single submitter. Criteria: Ambry Variant Classification Scheme 2023. Collection method: clinical testing. Allele origin: germline.
Comment: The p.P140S variant (also known as c.418C>T), located in coding exon 4 of the BMPR1A gene, results from a C to T substitution at nucleotide position 418. The proline at codon 140 is replaced by serine, an amino acid with similar properties. This amino acid position is highly conserved in available vertebrate species. In addition, the in silico prediction for this alteration is inconclusive. Since supporting evidence is limited at this time, the clinical significance of this alteration remains unclear.

Labcorp Genetics (formerly Invitae), Labcorp
Classification: Uncertain significance for Juvenile polyposis syndrome. Last evaluated: 2025-12-11. Review status: criteria provided, single submitter. Criteria: Invitae Variant Classification Sherloc (09022015). Collection method: clinical testing. Allele origin: germline.
Comment: This sequence change replaces proline, which is neutral and non-polar, with serine, which is neutral and polar, at codon 140 of the BMPR1A protein (p.Pro140Ser). This variant is present in population databases (rs138478597, gnomAD 0.003%). This variant has not been reported in the literature in individuals affected with BMPR1A-related conditions. ClinVar contains an entry for this variant (Variation ID: 438903). Invitae Evidence Modeling incorporating data from in vitro experimental studies (internal data) indicates that this missense variant is not expected to disrupt BMPR1A function with a negative predictive value of 95%. In summary, the available evidence is currently insufficient to determine the role of this variant in disease. Therefore, it has been classified as a Variant of Uncertain Significance.

Color Diagnostics, LLC DBA Color Health
Classification: Uncertain significance for Hereditary cancer-predisposing syndrome. Last evaluated: 2025-06-23. Review status: criteria provided, single submitter. Criteria: ACMG Guidelines, 2015. Collection method: clinical testing. Allele origin: germline.
Comment: This missense variant replaces proline with serine at codon 140 of the BMPR1A protein. Computational prediction is inconclusive regarding the impact of this variant on protein structure and function. To our knowledge, functional studies have not been reported for this variant. This variant has not been reported in individuals affected with BMPR1A-related disorders in the literature. This variant has been identified in 2/251442 chromosomes in the general population by the Genome Aggregation Database (gnomAD). The available evidence is insufficient to determine the role of this variant in disease conclusively. Therefore, this variant is classified as a Variant of Uncertain Significance.

GeneDx
Classification: Uncertain significance. Last evaluated: 2024-10-16. Review status: criteria provided, single submitter. Criteria: GeneDx Variant Classification Process June 2021. Collection method: clinical testing. Allele origin: germline. Affected: yes.
Comment: Not observed at significant frequency in large population cohorts (gnomAD); In silico analysis supports that this missense variant has a deleterious effect on protein structure/function; Has not been previously published as pathogenic or benign to our knowledge; This variant is associated with the following publications: (PMID: 36243179)

All of Us Research Program, National Institutes of Health
Classification: Uncertain significance for Juvenile polyposis syndrome. Last evaluated: 2024-06-11. Review status: criteria provided, single submitter. Criteria: ACMG Guidelines, 2015. Collection method: clinical testing. Allele origin: germline. Inheritance: Autosomal dominant inheritance. Observed: 2 variant alleles, 2 heterozygotes.
Comment: This missense variant replaces proline with serine at codon 140 of the BMPR1A protein. Computational prediction is inconclusive regarding the impact of this variant on protein structure and function (internally defined REVEL score threshold 0.5 < inconclusive < 0.7, PMID: 27666373). To our knowledge, functional studies have not been reported for this variant. This variant has not been reported in individuals affected with hereditary cancer in the literature. This variant has been identified in 2/251442 chromosomes in the general population by the Genome Aggregation Database (gnomAD). The available evidence is insufficient to determine the role of this variant in disease conclusively. Therefore, this variant is classified as a Variant of Uncertain Significance.

This study involves interpretation of variants in research participants for the purpose of population health screening. Participant phenotype was not available at the time of variant classification. Additional details can be found in publication PMID: 35346344, PMCID: PMC8962531

Baylor Genetics
Classification: Uncertain significance for Polyposis syndrome, hereditary mixed, 2. Last evaluated: 2024-01-24. Review status: criteria provided, single submitter. Criteria: ACMG Guidelines, 2015. Collection method: clinical testing. Allele origin: unknown.

Blueprint Genetics
Classification: Uncertain significance. Last evaluated: 2021-11-11. Review status: criteria provided, single submitter. Criteria: ACMG Guidelines, 2015. Collection method: clinical testing. Allele origin: germline.

Quest Diagnostics Nichols Institute San Juan Capistrano
Classification: Uncertain significance. Last evaluated: 2016-09-21. Review status: criteria provided, single submitter. Criteria: Quest Diagnostics criteria. Collection method: clinical testing. Allele origin: germline.